The following is an entry in ClinVar:

NM_002945.5(RPA1):c.272+48A>G

Gene: RPA1 (replication protein A1; plus strand). Cytogenetic location: 17p13.3.
Variant type: single nucleotide variant.
Coding change: c.272+48A>G on transcript NM_002945.5 (MANE Select); 48 bases into the intron after coding-DNA position 272, A replaced by G.
Molecular consequence: intron variant.
Genome position (GRCh38, 1-based): chr17:1,844,734, A>G. VCF-style: chr17-1844734-A-G. GRCh37 (hg19) VCF-style: chr17-1748028-A-G.
Other names: c.233+48A>G (NM_001355120.2); c.272+48A>G (NM_001355121.2).
Identifiers: ClinVar variation 2687931 (VCV002687931.2), dbSNP rs4790827, ClinGen allele CA8275871.
Genomic context (GRCh38, chr17:1,844,734, plus strand): 5'-TGAAAGACGGAAGGTATGTGCTGTGTTTTTTTCTGTCTTATTGTATCGTAGAATGGGAAC[A>G]AATTTAGGAATAAAAAAGGCAATAGTGAGTTTTCAGCTAAGAATCTGCAGCTTTTCAGTT-3'

ClinVar aggregate classification (germline): Benign (1 of 4 stars; one submission).

Allele frequency attached by ClinVar (database versions not stated): 1000 Genomes Project 0.78934; 1000 Genomes Project 30x 0.79482; TOPMed 0.85771; ExAC 0.85833; gnomAD 0.86505; ESP Exome Variant Server 0.87804; gnomAD exomes 0.89681.
gnomAD v4.1: 1,253,188 of 1,403,766 alleles (89%); highest among the groups gnomAD compares: Non-Finnish European, 92%; 562,255 homozygotes.

Submission:

Unidad de Genómica Garrahan, Hospital de Pediatría Garrahan
Classification: Benign. Last evaluated: 2024-01-24. Review status: criteria provided, single submitter. Criteria: ACMG Guidelines, 2015. Collection method: clinical testing. Allele origin: germline. Affected: no. Observed: 90 variant alleles.
Comment: This variant is classified as Benign based on local population frequency. This variant was detected in 95% of patients studied by a panel of primary immunodeficiencies. Number of patients: 90. Only high quality variants are reported.